The following is an entry in ClinVar:

NM_002907.4(RECQL):c.1678A>C (p.Ser560Arg)

Genes: PYROXD1 (pyridine nucleotide-disulphide oxidoreductase domain 1; plus strand), RECQL (RecQ like helicase; minus strand). Cytogenetic location: 12p12.1.
Variant type: single nucleotide variant.
Coding change: c.1678A>C on transcript NM_002907.4 (MANE Select); coding-DNA position 1678, A replaced by C.
Protein change: p.Ser560Arg; replaces serine 560 with arginine.
Molecular consequence: missense variant. On other transcripts: 3 prime UTR variant (3).
Genome position (GRCh38, 1-based): chr12:21,471,088, T>G on the plus strand (A>C on the coding strand, the complement: RECQL is on the minus strand). VCF-style: chr12-21471088-T-G. GRCh37 (hg19) VCF-style: chr12-21624022-T-G.
Other names: c.1678A>C, p.Ser560Arg (NM_032941.3); c.*2334T>G (NM_001350912.2, NM_001350913.2, NM_024854.5); short protein forms S560R.
Identifiers: ClinVar variation 1777829 (VCV001777829.2), dbSNP rs1211995666, ClinGen allele CA384114769.

ClinVar aggregate classification (germline): Uncertain significance (1 of 4 stars; one submission).

Submission:

Ambry Genetics
Classification: Uncertain significance. Last evaluated: 2022-07-19. Review status: criteria provided, single submitter. Criteria: Ambry Variant Classification Scheme 2023. Collection method: clinical testing. Allele origin: germline.
Comment: The p.S560R variant (also known as c.1678A>C), located in coding exon 13 of the RECQL gene, results from an A to C substitution at nucleotide position 1678. The serine at codon 560 is replaced by arginine, an amino acid with dissimilar properties. This amino acid position is conserved. In addition, the in silico prediction for this alteration is inconclusive. Since supporting evidence is limited at this time, the clinical significance of this alteration remains unclear.